The following is an entry in ClinVar:

NM_000617.3(SLC11A2):c.625G>A (p.Ala209Thr)

Gene: SLC11A2 (solute carrier family 11 member 2; minus strand). Cytogenetic location: 12q13.12.
Variant type: single nucleotide variant.
Coding change: c.625G>A on transcript NM_000617.3 (MANE Select); coding-DNA position 625, G replaced by A.
Protein change: p.Ala209Thr; replaces alanine 209 with threonine.
Molecular consequence: missense variant. On other transcripts: non-coding transcript variant (5).
Genome position (GRCh38, 1-based): chr12:50,999,224, C>T on the plus strand (G>A on the coding strand, the complement: SLC11A2 is on the minus strand). VCF-style: chr12-50999224-C-T. GRCh37 (hg19) VCF-style: chr12-51393007-C-T.
Other names: c.712G>A, p.Ala238Thr (NM_001174125.2, NM_001379446.1, NM_001379455.1); c.625G>A, p.Ala209Thr (NM_001174126.2, NM_001174127.2, NM_001174128.2 and 5 more transcripts); c.613G>A, p.Ala205Thr (NM_001174130.2, NM_001379448.1); c.514G>A, p.Ala172Thr (NM_001414747.1, NM_001414748.1); c.388G>A, p.Ala130Thr (NM_001414749.1, NM_001414750.1); short protein forms A209T, A238T, A205T, A130T, A172T.
Identifiers: ClinVar variation 309317 (VCV000309317.14), dbSNP rs115874705, ClinGen allele CA6566708.

ClinVar aggregate classification (germline): Benign. Review status: criteria provided, multiple submitters, no conflicts (2 of 4 stars). 3 submissions from 3 submitters: Benign (3). Last evaluated 2025-10-23.

Conditions:
Microcytic anemia with liver iron overload. Also called: Anemia, hypochromic microcytic, with iron overload 1. Identifiers: Orphanet 83642, MedGen C3806153, MONDO:0008787, OMIM 206100.

Allele frequency attached by ClinVar (database versions not stated): gnomAD exomes 0.00039 and 0.00116; ExAC 0.00144; gnomAD 0.00419 and 0.00453; TOPMed 0.00454; 1000 Genomes Project 0.00459; 1000 Genomes Project 30x 0.00484; ESP Exome Variant Server 0.00577.
gnomAD v4.1: 1,239 of 1,614,080 alleles (0.077%); highest among the groups gnomAD compares: African/African-American, 1.4%; 8 homozygotes.

Submissions (3):

Labcorp Genetics (formerly Invitae), Labcorp
Classification: Benign. Last evaluated: 2025-10-23. Review status: criteria provided, single submitter. Criteria: Invitae Variant Classification Sherloc (09022015). Collection method: clinical testing. Allele origin: germline.

Illumina Laboratory Services, Illumina
Classification: Benign for Microcytic anemia with liver iron overload. Last evaluated: 2018-01-13. Review status: criteria provided, single submitter. Criteria: ICSL Variant Classification Criteria 13 December 2019. Collection method: clinical testing. Allele origin: germline.
Comment: This variant was observed in the ICSL laboratory as part of a predisposition screen in an ostensibly healthy population. It had not been previously curated by ICSL or reported in the Human Gene Mutation Database (HGMD: prior to June 1st, 2018), and was therefore a candidate for classification through an automated scoring system. Utilizing variant allele frequency, disease prevalence and penetrance estimates, and inheritance mode, an automated score was calculated to assess if this variant is too frequent to cause the disease. Based on the score and internal cut-off values, a variant classified as benign is not then subjected to further curation. The score for this variant resulted in a classification of benign for this disease.

Breakthrough Genomics
Classification: Benign. Review status: criteria provided, single submitter. Criteria: ACMG Guidelines, 2015. Collection method: not provided. Allele origin: germline. Inheritance: Autosomal recessive inheritance. Affected: yes.